The following is an entry in ClinVar:

ClinVar aggregate classification (germline): Conflicting classifications of pathogenicity. Review status: criteria provided, conflicting classifications (1 of 4 stars). 3 submissions from 3 submitters: Uncertain significance (2); Benign (1). Last evaluated 2025-06-13.

Conditions:
Familial thoracic aortic aneurysm and aortic dissection (TAAD). Also called: Thoracic aortic aneurysms and dissections. Identifiers: Orphanet 91387, MedGen C4707243, MONDO:0019625.
Melnick-Needles syndrome (MNS). Also called: MELNICK-NEEDLES OSTEODYSPLASTY; Melnick-Needles Syndrome (FLNA-MNS); OSTEODYSPLASTY OF MELNICK AND NEEDLES. Identifiers: Orphanet 2484, MedGen C0025237, MONDO:0010650, OMIM 309350.
Frontometaphyseal dysplasia (FMD1). Identifiers: Orphanet 1826, MedGen C0265293, MONDO:0015942.
Heterotopia, periventricular, X-linked dominant (PVNH1). Also called: PERIVENTRICULAR NODULAR HETEROTOPIA 1; X-linked periventricular heterotopia; PERIVENTRICULAR NODULAR HETEROTOPIA 4; HETEROTOPIA, PERIVENTRICULAR, 1. Identifiers: Orphanet 2149, Orphanet 82004, MedGen C1848213, MONDO:0010233, OMIM 300049.
Oto-palato-digital syndrome, type II (OPD2). Also called: FACIOPALATOOSSEOUS SYNDROME; Otopalatodigital Syndrome Type 2 (FLNA-OPD2); OPD II SYNDROME; Otopalatodigital Syndrome, Type II. Identifiers: Orphanet 669, Orphanet 90652, MedGen C1844696, MONDO:0010571, OMIM 304120.

Allele frequency attached by ClinVar (database versions not stated): ExAC 0.00001; gnomAD exomes 0.00001.
gnomAD v4.1: 10 of 1,211,689 alleles (0.00083%); highest among the groups gnomAD compares: South Asian, 0.0018%; no homozygotes.

Submissions (3):

Ambry Genetics
Classification: Uncertain significance for Familial thoracic aortic aneurysm and aortic dissection. Last evaluated: 2025-06-13. Review status: criteria provided, single submitter. Criteria: Ambry Variant Classification Scheme 2023. Collection method: clinical testing. Allele origin: germline.
Comment: The p.G562R variant (also known as c.1684G>A), located in coding exon 10 of the FLNA gene, results from a G to A substitution at nucleotide position 1684. The glycine at codon 562 is replaced by arginine, an amino acid with dissimilar properties. Based on data from gnomAD, the A allele has an overall frequency of <0.01% (2/181637) total alleles studied, with 1 hemizygote(s) observed. The highest observed frequency was <0.01% (1/81410) of European (non-Finnish) alleles. This amino acid position is poorly conserved in available vertebrate species. In addition, this alteration is predicted to be tolerated by in silico analysis. Since supporting evidence is limited at this time, the clinical significance of this alteration remains unclear.

Labcorp Genetics (formerly Invitae), Labcorp
Classification: Benign for Oto-palato-digital syndrome, type II; Heterotopia, periventricular, X-linked dominant; Frontometaphyseal dysplasia; Melnick-Needles syndrome. Last evaluated: 2024-09-04. Review status: criteria provided, single submitter. Criteria: Invitae Variant Classification Sherloc (09022015). Collection method: clinical testing. Allele origin: germline.

Mayo Clinic Laboratories, Mayo Clinic
Classification: Uncertain significance. Last evaluated: 2024-04-08. Review status: criteria provided, single submitter. Criteria: ACMG Guidelines, 2015. Collection method: clinical testing. Allele origin: germline. Observed: 1 variant allele.
Comment: BP4

NM_001110556.2(FLNA):c.1684G>A (p.Gly562Arg)

Gene: FLNA (filamin A; minus strand). Cytogenetic location: Xq28.
Variant type: single nucleotide variant.
Coding change: c.1684G>A on transcript NM_001110556.2 (MANE Select); coding-DNA position 1684, G replaced by A.
Protein change: p.Gly562Arg; replaces glycine 562 with arginine.
Molecular consequence: missense variant.
Genome position (GRCh38, 1-based): chrX:154,365,143, C>T on the plus strand (G>A on the coding strand, the complement: FLNA is on the minus strand). VCF-style: chrX-154365143-C-T. GRCh37 (hg19) VCF-style: chrX-153593511-C-T.
Other names: p.Gly562Arg; c.1684G>A, p.Gly562Arg (NM_001456.4); short protein forms G562R.
Identifiers: ClinVar variation 1427426 (VCV001427426.12), dbSNP rs781806203, ClinGen allele CA10561121.